The following is an entry in ClinVar:

NM_015512.5(DNAH1):c.6498_6501del (p.Ser2166fs)

Gene: DNAH1 (dynein axonemal heavy chain 1; plus strand). Cytogenetic location: 3p21.1.
Variant type: Deletion.
Coding change: c.6498_6501del on transcript NM_015512.5 (MANE Select); coding-DNA positions 6498 to 6501, 4 bases deleted (TGAG; older notation c.6498_6501delTGAG).
Protein change: p.Ser2166fs; shifts the reading frame from serine 2166.
Molecular consequence: frameshift variant.
Genome position (GRCh38, 1-based): chr3:52,370,798-52,370,801, TGAG deleted; deleting any 4 consecutive bases within chr3:52,370,796-52,370,801 gives the same sequence; the c. name uses the placement nearest the transcript's 3' end. VCF-style (leftmost placement, unchanged base first): chr3-52370795-CAGTG-C. GRCh37 (hg19) VCF-style: chr3-52404811-CAGTG-C.
Other names: short protein forms S2166fs.
Identifiers: ClinVar variation 3760556 (VCV003760556.4).

ClinVar aggregate classification (germline): Pathogenic/Likely pathogenic. Review status: criteria provided, multiple submitters, no conflicts (2 of 4 stars). 2 submissions from 2 submitters: Pathogenic (1); Likely pathogenic (1). Last evaluated 2025-12-03.

Conditions:
Spermatogenic failure 18. Identifiers: MedGen C4539783, MONDO:0054615, OMIM 617576.
Ciliary dyskinesia, primary, 37 (CILD37). Also called: CILIARY DYSKINESIA, PRIMARY, 37, WITH OR WITHOUT SITUS INVERSUS. Identifiers: MedGen C4539798, MONDO:0033204, OMIM 617577.

Submissions (2):

Labcorp Genetics (formerly Invitae), Labcorp
Classification: Pathogenic for Ciliary dyskinesia, primary, 37; Spermatogenic failure 18. Last evaluated: 2025-12-03. Review status: criteria provided, single submitter. Criteria: Invitae Variant Classification Sherloc (09022015). Collection method: clinical testing. Allele origin: germline.
Comment: This sequence change creates a premature translational stop signal (p.Ser2166Argfs*13) in the DNAH1 gene. It is expected to result in an absent or disrupted protein product. Loss-of-function variants in DNAH1 are known to be pathogenic (PMID: 27573432, 27798045). This variant is present in population databases (rs767362390, gnomAD 0.001%). This variant has not been reported in the literature in individuals affected with DNAH1-related conditions. ClinVar contains an entry for this variant (Variation ID: 3760556). For these reasons, this variant has been classified as Pathogenic.

Juno Genomics, Hangzhou Juno Genomics, Inc
Classification: Likely pathogenic for Ciliary dyskinesia, primary, 37; Spermatogenic failure 18. Review status: criteria provided, single submitter. Criteria: ACMG Guidelines, 2015. Collection method: clinical testing. Allele origin: germline.
Comment: Absent from controls (or at extremely low frequency if recessive) in Genome Aggregation Database.;Null variant in a gene where loss of function (LOF) is a known mechanism of disease.

Literature cited by the submitters: PubMed 27573432 (cited by Labcorp Genetics (formerly Invitae), Labcorp); PubMed 27798045 (cited by Labcorp Genetics (formerly Invitae), Labcorp).